The following is an entry in ClinVar:

ClinVar aggregate classification (germline): Uncertain significance (1 of 4 stars; one submission).

Conditions:
Cryptosporidiosis-chronic cholangitis-liver disease syndrome. Also called: Immunodeficiency type 56; IL21R immunodeficiency. Identifiers: Orphanet 357329, MedGen C3554687, MONDO:0014082, OMIM 615207.

Submission:

Labcorp Genetics (formerly Invitae), Labcorp
Classification: Uncertain significance for IL21R immunodeficiency. Last evaluated: 2019-07-26. Review status: criteria provided, single submitter. Criteria: Invitae Variant Classification Sherloc (09022015). Collection method: clinical testing. Allele origin: germline.
Comment: This sequence change replaces serine with proline at codon 312 of the IL21R protein (p.Ser312Pro). The serine residue is moderately conserved and there is a moderate physicochemical difference between serine and proline. This variant is not present in population databases (ExAC no frequency). This variant has not been reported in the literature in individuals with IL21R-related conditions. Algorithms developed to predict the effect of missense changes on protein structure and function are either unavailable or do not agree on the potential impact of this missense change (SIFT: "Tolerated"; PolyPhen-2: "Possibly Damaging"; Align-GVGD: "Class C0"). In summary, the available evidence is currently insufficient to determine the role of this variant in disease. Therefore, it has been classified as a Variant of Uncertain Significance.

NM_181078.3(IL21R):c.934T>C (p.Ser312Pro)

Genes: IL21R (interleukin 21 receptor; plus strand), IL21R-AS1 (IL21R antisense RNA 1; minus strand). Cytogenetic location: 16p12.1.
Variant type: single nucleotide variant.
Coding change: c.934T>C on transcript NM_181078.3 (MANE Select); coding-DNA position 934, T replaced by C.
Protein change: p.Ser312Pro; replaces serine 312 with proline.
Molecular consequence: missense variant. On other transcripts: non-coding transcript variant (1).
Genome position (GRCh38, 1-based): chr16:27,448,600, T>C. VCF-style: chr16-27448600-T-C. GRCh37 (hg19) VCF-style: chr16-27459921-T-C.
Other names: c.934T>C, p.Ser312Pro (NM_021798.4); c.1000T>C, p.Ser334Pro (NM_181079.5); short protein forms S312P, S334P.
Identifiers: ClinVar variation 947096 (VCV000947096.1), dbSNP rs1596599840, ClinGen allele CA395306812.